The following is an entry in ClinVar:

NM_001042492.3(NF1):c.4318A>C (p.Lys1440Gln)

Gene: NF1 (neurofibromin 1; plus strand). Cytogenetic location: 17q11.2.
Variant type: single nucleotide variant.
Coding change: c.4318A>C on transcript NM_001042492.3 (MANE Select); coding-DNA position 4318, A replaced by C.
Protein change: p.Lys1440Gln; replaces lysine 1440 with glutamine.
Molecular consequence: missense variant.
Genome position (GRCh38, 1-based): chr17:31,258,488, A>C. VCF-style: chr17-31258488-A-C. GRCh37 (hg19) VCF-style: chr17-29585506-A-C.
Other names: c.4255A>C, p.Lys1419Gln (NM_000267.4); short protein forms K1419Q, K1440Q.
Identifiers: ClinVar variation 68342 (VCV000068342.2), dbSNP rs199474790, ClinGen allele CA219550.

ClinVar aggregate classification (germline): Likely pathogenic. Review status: criteria provided, single submitter (1 of 4 stars). 2 submissions from 2 submitters: Likely pathogenic (1). 1 of the submissions does not count toward it. Last evaluated 2016-12-05.

Submissions (2):

GeneDx
Classification: Likely pathogenic. Last evaluated: 2016-12-05. Review status: criteria provided, single submitter. Criteria: GeneDx Variant Classification (06012015). Collection method: clinical testing. Allele origin: germline. Affected: yes.
Comment: The K1419Q variant has been published previously in association with neurofibromatosis type 1 (NF1) (Upadhyaya et al., 1997). The variant was not observed in approximately 6,500 individuals of European and African American ancestry in the NHLBI Exome Sequencing Project, indicating it is not a common benign variant in these populations. K1419Q is a semi-conservative amino acid substitution, which may impact secondary protein structure as these residues differ in some properties. This substitution occurs at a position that is conserved across species; however, in silico analysis is inconsistent in its predictions as to whether or not the variant is damaging to the protein structure/function. While functional studies in Drosophila have shown that K1419Q negatively impacts the function of the NF1 protein, no functional studies have been performed with human cells to our knowledge (Hannan et al., 2006). Missense variants in the same residue (K1419R) and in a nearby residue (K1423E/R/N) have been reported in the Human Gene Mutation Database in association with NF1 (Stenson et al., 2014), supporting the functional importance of this region of the protein. Therefore, this variant is likely pathogenic.

UniProtKB/Swiss-Prot
No classification provided. Review status: no classification provided. Collection method: not provided. Allele origin: not provided. Not counted in ClinVar's aggregate classification.